The following is an entry in ClinVar:

ClinVar aggregate classification (germline): Uncertain significance (1 of 4 stars; one submission).

Conditions:
Congenital contractural arachnodactyly (CCA). Also called: BEALS SYNDROME; Beals-Hecht syndrome; Arthrogryposis, distal, type 9. Identifiers: Orphanet 115, MedGen C0220668, MONDO:0007363, OMIM 121050.

Submission:

Labcorp Genetics (formerly Invitae), Labcorp
Classification: Uncertain significance for Congenital contractural arachnodactyly. Last evaluated: 2019-07-30. Review status: criteria provided, single submitter. Criteria: Invitae Variant Classification Sherloc (09022015). Collection method: clinical testing. Allele origin: germline.
Comment: In summary, the available evidence is currently insufficient to determine the role of this variant in disease. Therefore, it has been classified as a Variant of Uncertain Significance. Algorithms developed to predict the effect of missense changes on protein structure and function are either unavailable or do not agree on the potential impact of this missense change (SIFT: "Deleterious"; PolyPhen-2: "Probably Damaging"; Align-GVGD: "Class C0"). This variant has not been reported in the literature in individuals with FBN2-related conditions. This variant is not present in population databases (ExAC no frequency). This sequence change replaces cysteine with phenylalanine at codon 539 of the FBN2 protein (p.Cys539Phe). The cysteine residue is highly conserved and there is a large physicochemical difference between cysteine and phenylalanine.

NM_001999.4(FBN2):c.1616G>T (p.Cys539Phe)

Gene: FBN2 (fibrillin 2; minus strand). Cytogenetic location: 5q23.3.
Variant type: single nucleotide variant.
Coding change: c.1616G>T on transcript NM_001999.4 (MANE Select); coding-DNA position 1616, G replaced by T.
Protein change: p.Cys539Phe; replaces cysteine 539 with phenylalanine.
Molecular consequence: missense variant.
Genome position (GRCh38, 1-based): chr5:128,378,878, C>A on the plus strand (G>T on the coding strand, the complement: FBN2 is on the minus strand). VCF-style: chr5-128378878-C-A. GRCh37 (hg19) VCF-style: chr5-127714571-C-A.
Other names: short protein forms C539F.
Identifiers: ClinVar variation 858691 (VCV000858691.10), dbSNP rs1456682417, ClinGen allele CA360744033.
Genomic context (GRCh38, chr5:128,378,878, plus strand): 5'-TTACAATAATAGGAACCAGGTGTGTTAACACAATCTCCATTAGTGCAGGGATTTGATGTG[C>A]ATTCATCAACATCTGTGAGCAGCAAAAGAAACCATTATAGACTTCACTCCATTTGTAGAA-3'
Protein context (NP_001990.2, residues 529-549): ANGDCIDVDE[Cys539Phe]TSNPCTNGDC